The following is an entry in ClinVar:

NM_182548.4(LHFPL5):c.43C>T (p.His15Tyr)

Gene: LHFPL5 (LHFPL tetraspan subfamily member 5; plus strand). Cytogenetic location: 6p21.31.
Variant type: single nucleotide variant.
Coding change: c.43C>T on transcript NM_182548.4 (MANE Select); coding-DNA position 43, C replaced by T.
Protein change: p.His15Tyr; replaces histidine 15 with tyrosine.
Molecular consequence: missense variant.
Genome position (GRCh38, 1-based): chr6:35,805,713, C>T. VCF-style: chr6-35805713-C-T. GRCh37 (hg19) VCF-style: chr6-35773490-C-T.
Other names: short protein forms H15Y.
Identifiers: ClinVar variation 228800 (VCV000228800.26), dbSNP rs149941106, ClinGen allele CA3774325.
Genomic context (GRCh38, chr6:35,805,713, plus strand): 5'-GGGCCTGCTGCCCTCACCATGGTGAAATTGCTGCCGGCCCAGGAGGCAGCCAAGATCTAC[C>T]ATACCAACTATGTGCGGAACTCGCGAGCCGTGGGCGTGATGTGGGGTACCCTCACCATCT-3'
Protein context (NP_872354.1, residues 5-25): LPAQEAAKIY[His15Tyr]TNYVRNSRAV

ClinVar aggregate classification (germline): Conflicting classifications of pathogenicity. Review status: criteria provided, conflicting classifications (1 of 4 stars). 6 submissions from 6 submitters: Uncertain significance (3); Likely benign (3). Last evaluated 2025-11-29.

Conditions:
LHFPL5-related disorder. Also called: LHFPL5-related condition.
Autosomal recessive nonsyndromic hearing loss 67. Identifiers: Orphanet 90636, MedGen C1853223, MONDO:0012460, OMIM 610265.

Allele frequency attached by ClinVar (database versions not stated): gnomAD exomes 0.00040 and 0.00068; ExAC 0.00060; ESP Exome Variant Server 0.00077; gnomAD 0.00090 and 0.00095; TOPMed 0.00102; 1000 Genomes Project 0.00220; 1000 Genomes Project 30x 0.00250.
gnomAD v4.1: 728 of 1,614,206 alleles (0.045%); highest among the groups gnomAD compares: Middle Eastern, 0.3%; no homozygotes.

Submissions (6):

Labcorp Genetics (formerly Invitae), Labcorp
Classification: Likely benign. Last evaluated: 2025-11-29. Review status: criteria provided, single submitter. Criteria: Invitae Variant Classification Sherloc (09022015). Collection method: clinical testing. Allele origin: germline.

CeGaT Center for Human Genetics Tuebingen
Classification: Uncertain significance. Last evaluated: 2025-11-01. Review status: criteria provided, single submitter. Criteria: CeGaT Center For Human Genetics Tuebingen Variant Classification Criteria Version 2. Collection method: clinical testing. Allele origin: germline. Affected: yes. Observed: 1 variant allele.
Comment: LHFPL5: PM2, PM3:Supporting, PP3

PreventionGenetics, part of Exact Sciences
Classification: Likely benign for LHFPL5-related condition. Last evaluated: 2025-07-24. Review status: criteria provided, single submitter. Criteria: ACMG Guidelines, 2015. Collection method: clinical testing. Allele origin: germline.
Comment: This variant is classified as likely benign based on ACMG/AMP sequence variant interpretation guidelines (Richards et al. 2015 PMID: 25741868, with internal and published modifications).

GeneDx
Classification: Likely benign. Last evaluated: 2021-01-29. Review status: criteria provided, single submitter. Criteria: GeneDx Variant Classification Process June 2021. Collection method: clinical testing. Allele origin: germline. Affected: yes.
Comment: This variant is associated with the following publications: (PMID: 29752989)

Laboratory for Molecular Medicine, Mass General Brigham Personalized Medicine
Classification: Uncertain significance. Last evaluated: 2018-05-08. Review status: criteria provided, single submitter. Criteria: LMM Criteria. Collection method: clinical testing. Allele origin: germline. Observed: 5 variant alleles.
Comment: Variant classified as Uncertain Significance - Favor Benign. The p.His15Tyr vari ant in LHFPL5 has been previously reported in 4 individuals with hearing loss by our laboratory; however, none of them had a variant affecting the other copy of the gene and one of these individuals had an alternate etiology of the hearing loss. This variant has been identified in 0.2% (67/34420 and 44/24030) of Latino and African chromosomes by the Genome Aggregation Database (gnomAD; dbSNP rs149941106). Although this variant has been seen i n the general population, its frequency is not high enough to rule out a pathoge nic role. Computational prediction tools and conservation analysis do not provid e strong support for or against an impact to the protein. In summary, while the clinical significance of the p.His15Tyr variant is uncertain, the frequency data in the general population suggest that it is more likely to be benign. ACMG/AMP Criteria applied: BS1_Supporting.

Illumina Laboratory Services, Illumina
Classification: Uncertain significance for Autosomal recessive nonsyndromic hearing loss 67. Last evaluated: 2018-01-13. Review status: criteria provided, single submitter. Criteria: ICSL Variant Classification Criteria 13 December 2019. Collection method: clinical testing. Allele origin: germline.